The following is an entry in ClinVar:

ClinVar aggregate classification (germline): Pathogenic/Likely pathogenic. Review status: criteria provided, multiple submitters, no conflicts (2 of 4 stars). 3 submissions from 3 submitters: Pathogenic (2); Likely pathogenic (1). Last evaluated 2022-03-03.

Conditions:
POLR-related leukodystrophy. Also called: 4H leukodystrophy. Identifiers: Orphanet 289494, MedGen C5679947, MONDO:0100605.
Leukodystrophy, hypomyelinating, 8, with or without oligodontia and/or hypogonadotropic hypogonadism. Also called: Endosteal sclerosis-cerebellar hypoplasia syndrome; Hypomyelinating leukodystrophy 8 with or without oligodontia and-or hypogonadotropic hypogonadism; LEUKODYSTROPHY, HYPOMYELINATING, 8, WITH HYPODONTIA AND HYPOGONADOTROPIC HYPOGONADISM. Identifiers: Orphanet 85186, Orphanet 88637, MedGen C3280644, MONDO:0013722, OMIM 614381.

Allele frequency attached by ClinVar (database versions not stated): gnomAD 0.00001; TOPMed 0.00001; gnomAD exomes below 0.00001.
gnomAD v4.1: 5 of 1,613,474 alleles (0.00031%); highest among the groups gnomAD compares: East Asian, 0.0045%; no homozygotes.

Submissions (3):

Institute of Medical Genetics and Applied Genomics, University Hospital Tübingen
Classification: Pathogenic for POLR-related leukodystrophy. Last evaluated: 2022-03-03. Review status: criteria provided, single submitter. Criteria: ACMG Guidelines, 2015. Collection method: clinical testing. Allele origin: germline. Inheritance: Autosomal recessive inheritance. Affected: yes.

Broad Center for Mendelian Genomics, Broad Institute of MIT and Harvard
Classification: Likely pathogenic for Leukodystrophy, hypomyelinating, 8, with or without oligodontia and/or hypogonadotropic hypogonadism. Last evaluated: 2022-02-28. Review status: criteria provided, single submitter. Criteria: ACMG Guidelines, 2015. Collection method: curation. Allele origin: germline. Inheritance: Autosomal recessive inheritance.
Comment: The p.Arg805Ter variant in POLR3B has not been previously reported in the literature in individuals with 4H leukodystrophy but has been identified in 0.005% (1/19948) of East Asian chromosomes by the Genome Aggregation Database (gnomAD; dbSNP ID: rs1437442253). Although this variant has been seen in the general population in a heterozygous state, its frequency is low enough to be consistent with a recessive carrier frequency. This variant has also been reported in ClinVar (Variation ID#: 1069879) and has been interpreted as pathogenic by Invitae. This nonsense variant leads to a premature termination codon at position 805, which is predicted to lead to a truncated or absent protein. Loss of function of the POLR3B gene is an established disease mechanism in autosomal recessive 4H leukodystrophy. In summary, although additional studies are required to fully establish its clinical significance, this variant is likely pathogenic for autosomal recessive 4H leukodystrophy. ACMG/AMP Criteria applied: PVS1, PM2 (Richards 2015).

Labcorp Genetics (formerly Invitae), Labcorp
Classification: Pathogenic. Last evaluated: 2017-08-17. Review status: criteria provided, single submitter. Criteria: Invitae Variant Classification Sherloc (09022015). Collection method: clinical testing. Allele origin: germline.
Comment: This sequence change creates a premature translational stop signal (p.Arg805*) in the POLR3B gene. It is expected to result in an absent or disrupted protein product. For these reasons, this variant has been classified as Pathogenic. Loss-of-function variants in POLR3B are known to be pathogenic (PMID: 25339210). Algorithms developed to predict the effect of sequence changes on RNA splicing suggest that this variant may create or strengthen a splice site, but this prediction has not been confirmed by published transcriptional studies. This variant has not been reported in the literature in individuals with POLR3B-related disease. This variant is not present in population databases (ExAC no frequency).

Literature cited by the submitters: PubMed 25339210 (cited by Labcorp Genetics (formerly Invitae), Labcorp).

NM_018082.6(POLR3B):c.2413C>T (p.Arg805Ter)

Gene: POLR3B (RNA polymerase III subunit B; plus strand). Cytogenetic location: 12q23.3.
Variant type: single nucleotide variant.
Coding change: c.2413C>T on transcript NM_018082.6 (MANE Select); coding-DNA position 2413, C replaced by T.
Protein change: p.Arg805Ter; replaces arginine 805 with a stop codon.
Molecular consequence: nonsense.
Genome position (GRCh38, 1-based): chr12:106,457,257, C>T. VCF-style: chr12-106457257-C-T. GRCh37 (hg19) VCF-style: chr12-106851035-C-T.
Other names: NM_018082.6(POLR3B):c.2413C>T; p.Arg805Ter; c.2239C>T, p.Arg747Ter (NM_001160708.2); short protein forms R747*, R805*.
Identifiers: ClinVar variation 1069879 (VCV001069879.8), dbSNP rs1437442253, ClinGen allele CA386388804.